The following continues an entry in ClinVar:

NM_001048174.2(MUTYH):c.11C>T (p.Pro4Leu)

Gene: MUTYH. ClinVar aggregate classification (germline): Conflicting classifications of pathogenicity. Uncertain significance (3); Benign (10); Likely benign (5).

Submission 21 of 21:

Department of Pathology and Laboratory Medicine, Sinai Health System
Classification: Likely benign for Carcinoma of colon. Review status: no assertion criteria provided. Collection method: clinical testing. Allele origin: unknown. Affected: yes. Study: The Canadian Open Genetics Repository (COGR). Not counted in ClinVar's aggregate classification.
Comment: The MUTYH p.Pro18Leu variant was identified in 20 of 1686 proband chromosomes (frequency: 0.01) from individuals or families from Asian individuals (Korean, Chinese, Japanese) with colorectal, endometrial and adenomatous polyposis cancer (Ring 2016, Taki 2016, Chen 2008, Kim 2007, Yanaru-Fujisawa 2008, Zhang 2006). The variant was also identified in the following databases: dbSNP (ID: rs79777494) as With other allele, ClinVar (classified as benign by Invitae, Ambry Genetics, Integrated Genetics/Laboratory Corporation of America; as uncertain significance by GeneDx, and two clinical laboratories), Clinvitae, COGR, and MutDB. The variant was not identified in Cosmic, or UMD-LSDB databases. The variant was identified in control databases in 288 of 277220 chromosomes (4 homozygous) at a frequency of 0.001 increasing the likelihood this could be a low frequency benign variant (Genome Aggregation Database Feb 27, 2017). It was observed in the following populations: â€šÃ„ÃºOtherâ€šÃ„Ã¹ in 2 of 6462 chromosomes (freq: 0.0003), European in 4 of 126714 chromosomes (freq: 0.00003), East Asian in 250 of 18870 chromosomes (freq: 0.01), and South Asian in 32 of 30782 chromosomes (freq: 0.001); it was not observed in the African, Latino, Ashkenazi Jewish, or Finnish populations. The p.Pro18 residue is not conserved in mammals and computational analyses (PolyPhen-2, SIFT, AlignGVGD, BLOSUM, MutationTaster) provide inconsistent predictions regarding the impact to the protein; this information is not very predictive of pathogenicity. The variant occurs outside of the splicing consensus sequence and 1 of 5 in silico or computational prediction software programs (SpliceSiteFinder, MaxEntScan, NNSPLICE, GeneSplicer, HumanSpliceFinder) predict a greater than 10% difference in splicing; this is not very predictive of pathogenicity. The variant was identified in co-occurrence on the same allele as another MUTYH variant, p.Gly25Asp. Two studies suggest that this haplotype variant allele (containing both p.Pro18Leu and p.Gly25Asp variants) increases the risk of gastric cancer, with significantly higher frequencies of the variant haplotype observed in affected cases than in healthy controls (Chen 2008, Zhang 2006). In addition, a functional study by Chen (2008) found that the haplotype variant allele had a partial effect on protein mitochondrial transport as compared to wild type MUTYH protein. This effect, however, was not found when each variant was tested individually, suggesting an additive effect of the combined variants on the mitochondrial targeting sequences domain of the MUTYH protein. In addition, several studies identify the variant co-occurring with known pathogenic variants (APC c.3595_3596delAA (p.Lys1199Glufs), MSH6 c.3724_3726del (p.Arg1242del), increasing the likelihood that the p.Gly25Asp variant does not have clinical significance (Ring 2016, Taki 2016). In summary, based on the above information the clinical significance of this variant cannot be determined with certainty at this time although we would lean towards a more benign role for this variant. This variant is classified as likely benign.

Literature cited by the submitters: PubMed 29667044 (cited by Quest Diagnostics Nichols Institute San Juan Capistrano); PubMed 29879026 (cited by Quest Diagnostics Nichols Institute San Juan Capistrano); PubMed 30333958 (cited by Quest Diagnostics Nichols Institute San Juan Capistrano); PubMed 33343895 (cited by Quest Diagnostics Nichols Institute San Juan Capistrano); PubMed 33094510 (cited by Quest Diagnostics Nichols Institute San Juan Capistrano); PubMed 33194656 (cited by Quest Diagnostics Nichols Institute San Juan Capistrano); PubMed 32973888 (cited by Quest Diagnostics Nichols Institute San Juan Capistrano); PubMed 18422726 (cited by 3 submitters); PubMed 25820570 (cited by 3 submitters); PubMed 22641385 (cited by Quest Diagnostics Nichols Institute San Juan Capistrano and Ambry Genetics); PubMed 26332594 (cited by 3 submitters); PubMed 16929514 (cited by Quest Diagnostics Nichols Institute San Juan Capistrano and Ambry Genetics); PubMed 18811933 (cited by 3 submitters); PubMed 17252231 (cited by Quest Diagnostics Nichols Institute San Juan Capistrano and Ambry Genetics); PubMed 11295288 (cited by Quest Diagnostics Nichols Institute San Juan Capistrano and Ambry Genetics); PubMed 26684191 (cited by Quest Diagnostics Nichols Institute San Juan Capistrano and Women's Health and Genetics/Laboratory Corporation of America, LabCorp); PubMed 36243179 (cited by Quest Diagnostics Nichols Institute San Juan Capistrano); PubMed 35534218 (cited by Quest Diagnostics Nichols Institute San Juan Capistrano); PubMed 34326862 (cited by Quest Diagnostics Nichols Institute San Juan Capistrano); PubMed 27443514 (cited by Quest Diagnostics Nichols Institute San Juan Capistrano and Women's Health and Genetics/Laboratory Corporation of America, LabCorp); PubMed 29330641 (cited by Quest Diagnostics Nichols Institute San Juan Capistrano); PubMed 25980754 (cited by Quest Diagnostics Nichols Institute San Juan Capistrano); PubMed 24834277 (cited by Quest Diagnostics Nichols Institute San Juan Capistrano); PubMed 24728327 (cited by 3 submitters).